The following is an entry in ClinVar:

ClinVar aggregate classification (germline): Pathogenic/Likely pathogenic. Review status: criteria provided, multiple submitters, no conflicts (2 of 4 stars). 2 submissions from 2 submitters: Pathogenic (1); Likely pathogenic (1). Last evaluated 2025-10-21.

Conditions:
Cardiovascular phenotype. Identifiers: MedGen CN230736.
Arrhythmogenic right ventricular dysplasia 9 (ARVD9). Also called: Arrhythmogenic Right Ventricular Dysplasia/Cardiomyopathy 9; ARRHYTHMOGENIC RIGHT VENTRICULAR DYSPLASIA, FAMILIAL, 9. Identifiers: MedGen C1836906, MONDO:0012180, OMIM 609040.

Submissions (2):

Labcorp Genetics (formerly Invitae), Labcorp
Classification: Pathogenic for Arrhythmogenic right ventricular dysplasia 9. Last evaluated: 2025-10-21. Review status: criteria provided, single submitter. Criteria: Invitae Variant Classification Sherloc (09022015). Collection method: clinical testing. Allele origin: germline.
Comment: This sequence change is expected to alter the c-terminus of the PKP2 protein (p.Ala840Leufs*91). While this is not anticipated to result in nonsense mediated decay, it is expected to disrupt the last 42 amino acid(s) of the PKP2 protein and extend the protein by 48 additional amino acid residues. This variant is not present in population databases (gnomAD no frequency). This variant has not been reported in the literature in individuals affected with PKP2-related conditions. ClinVar contains an entry for this variant (Variation ID: 1792479). This variant results in an extension of the PKP2 protein. Other variant(s) that result in a similarly extended protein product (p.Glu852Asnfs*79) have been determined to be pathogenic (PMID: 19427443, 24125834; internal data). This suggests that these extensions are likely to be disease-causing. For these reasons, this variant has been classified as Pathogenic.

Ambry Genetics
Classification: Likely pathogenic for Cardiovascular phenotype. Last evaluated: 2019-12-04. Review status: criteria provided, single submitter. Criteria: Ambry Variant Classification Scheme 2023. Collection method: clinical testing. Allele origin: germline.
Comment: The c.2517delT variant, located in coding exon 13 of the PKP2 gene, results from a deletion of one nucleotide at nucleotide position 2517, causing a translational frameshift with a predicted alternate stop codon (p.A840Lfs*91). Frameshifts are typically deleterious in nature; however, this frameshift occurs at the 3' terminus of PKP2, is not expected to trigger nonsense-mediated mRNA decay, and results in the elongation of the protein by 48 amino acids. Nearby likely pathogenic alterations, c.2509delA p.S837Vfs*94 and c.2554delG p.E852Nfs*79, resulting in the same 48 amino acid elongation of the protein have been described (Gerull B et al. Nat Genet. 2004;36(11):1162-4; Qiu X et al. Am. J. Cardiol., 2009 May;103:1439-44). Based on the majority of available evidence to date, this variant is likely to be pathogenic.

Literature cited by the submitters: PubMed 19427443 (cited by Labcorp Genetics (formerly Invitae), Labcorp); PubMed 24125834 (cited by Labcorp Genetics (formerly Invitae), Labcorp).

NM_001005242.3(PKP2):c.2385del (p.Ala796fs)

Gene: PKP2 (plakophilin 2; minus strand). Cytogenetic location: 12p11.21.
Variant type: Deletion.
Coding change: c.2385del on transcript NM_001005242.3 (MANE Select); coding-DNA position 2385, one base deleted (T; older notation c.2385delT).
Protein change: p.Ala796fs; shifts the reading frame from alanine 796.
Molecular consequence: frameshift variant.
Genome position (GRCh38, 1-based): chr12:32,792,704, A deleted on the plus strand (T on the coding strand, the reverse complement: PKP2 is on the minus strand). VCF-style (leftmost placement, unchanged base first): chr12-32792703-CA-C. GRCh37 (hg19) VCF-style: chr12-32945637-CA-C.
Other names: c.2195delT, p.Leu732Argfs (NM_001407155.1); c.2220delT, p.Ala741Leufs (NM_001407156.1); c.2058delT, p.Ala687Leufs (NM_001407158.1, NM_001407159.1); c.1868delT, p.Leu623Argfs (NM_001407160.1); c.2517del, p.Ala840fs (NM_004572.4); short protein forms A796fs, A840fs.
Identifiers: ClinVar variation 1792479 (VCV001792479.3), dbSNP rs2541184876, ClinGen allele CA2580085402.
Genomic context (GRCh38, chr12:32,792,703, plus strand): 5'-CCTTCTTGTAGGCATGATGCAGTTCCGTGTGTGCCCACAGAGAATACAGAAGGACGGAAG[CA>C]GCTTTACTTGCTTTGTTGGAGGCATAGCTGAAAAGAAAAGGACATTCTGAGATCAGGGAG-3'